The following is an entry in ClinVar:

NM_001170629.2(CHD8):c.986A>G (p.Asn329Ser)

Gene: CHD8 (chromodomain helicase DNA binding protein 8; minus strand). Cytogenetic location: 14q11.2.
Variant type: single nucleotide variant.
Coding change: c.986A>G on transcript NM_001170629.2 (MANE Select); coding-DNA position 986, A replaced by G.
Protein change: p.Asn329Ser; replaces asparagine 329 with serine.
Molecular consequence: missense variant.
Genome position (GRCh38, 1-based): chr14:21,429,193, T>C on the plus strand (A>G on the coding strand, the complement: CHD8 is on the minus strand). VCF-style: chr14-21429193-T-C. GRCh37 (hg19) VCF-style: chr14-21897352-T-C.
Other names: c.149A>G, p.Asn50Ser (NM_020920.4); short protein forms N329S, N50S.
Identifiers: ClinVar variation 3573669 (VCV003573669.2).

ClinVar aggregate classification (germline): Uncertain significance (1 of 4 stars; one submission).

gnomAD v4.1: 1 of 1,613,982 alleles (0.000062%); highest among the groups gnomAD compares: Non-Finnish European, 0.000085%; no homozygotes.

Submission:

GeneDx
Classification: Uncertain significance. Last evaluated: 2025-09-25. Review status: criteria provided, single submitter. Criteria: GeneDx Variant Classification Process June 2021. Collection method: clinical testing. Allele origin: germline.
Comment: Not observed at significant frequency in large population cohorts (gnomAD); In silico analysis suggests that this missense variant does not alter protein structure/function; Has not been previously published as pathogenic or benign to our knowledge